The following is an entry in ClinVar:

ClinVar aggregate classification (germline): Uncertain significance (1 of 4 stars; one submission).

Conditions:
Cardiovascular phenotype. Identifiers: MedGen CN230736.

Submission:

Ambry Genetics
Classification: Uncertain significance for Cardiovascular phenotype. Last evaluated: 2025-04-14. Review status: criteria provided, single submitter. Criteria: Ambry Variant Classification Scheme 2023. Collection method: clinical testing. Allele origin: germline.
Comment: The p.C138S variant (also known as c.413G>C), located in coding exon 4 of the VCL gene, results from a G to C substitution at nucleotide position 413. The cysteine at codon 138 is replaced by serine, an amino acid with dissimilar properties. This amino acid position is conserved. In addition, the in silico prediction for this alteration is inconclusive. Based on the available evidence, the clinical significance of this variant remains unclear.

NM_014000.3(VCL):c.413G>C (p.Cys138Ser)

Gene: VCL (vinculin; plus strand). Cytogenetic location: 10q22.2.
Variant type: single nucleotide variant.
Coding change: c.413G>C on transcript NM_014000.3 (MANE Select); coding-DNA position 413, G replaced by C.
Protein change: p.Cys138Ser; replaces cysteine 138 with serine.
Molecular consequence: missense variant.
Genome position (GRCh38, 1-based): chr10:74,070,997, G>C. VCF-style: chr10-74070997-G-C. GRCh37 (hg19) VCF-style: chr10-75830755-G-C.
Other names: c.413G>C, p.Cys138Ser (NM_003373.4); short protein forms C138S.
Identifiers: ClinVar variation 3979532 (VCV003979532.1).